The following is an entry in ClinVar:

ClinVar aggregate classification (germline): Likely benign. Review status: criteria provided, single submitter (1 of 4 stars). 2 submissions from 2 submitters: Likely benign (1). 1 of the submissions does not count toward it. Last evaluated 2018-04-10.

Conditions:
BAZ1B-related disorder. Also called: BAZ1B-related condition.

Allele frequency attached by ClinVar (database versions not stated): gnomAD exomes 0.00009 and 0.00023; ExAC 0.00026; ESP Exome Variant Server 0.00077; gnomAD 0.00079 and 0.00081; TOPMed 0.00083; 1000 Genomes Project 0.00140; 1000 Genomes Project 30x 0.00234.
gnomAD v4.1: 247 of 1,614,106 alleles (0.015%); highest among the groups gnomAD compares: African/African-American, 0.3%; 1 homozygote.

Submissions (2):

Labcorp Genetics (formerly Invitae), Labcorp
Classification: Likely benign. Last evaluated: 2018-04-10. Review status: criteria provided, single submitter. Criteria: Invitae Variant Classification Sherloc (09022015). Collection method: clinical testing. Allele origin: germline.

PreventionGenetics, part of Exact Sciences
Classification: Likely benign for BAZ1B-related condition. Last evaluated: 2022-05-17. Review status: no assertion criteria provided. Collection method: clinical testing. Allele origin: germline. Not counted in ClinVar's aggregate classification.
Comment: This variant is classified as likely benign based on ACMG/AMP sequence variant interpretation guidelines (Richards et al. 2015 PMID: 25741868, with internal and published modifications).

NM_032408.4(BAZ1B):c.506T>C (p.Ile169Thr)

Gene: BAZ1B (bromodomain adjacent to zinc finger domain 1B; minus strand). Cytogenetic location: 7q11.23.
Variant type: single nucleotide variant.
Coding change: c.506T>C on transcript NM_032408.4 (MANE Select); coding-DNA position 506, T replaced by C.
Protein change: p.Ile169Thr; replaces isoleucine 169 with threonine.
Molecular consequence: missense variant.
Genome position (GRCh38, 1-based): chr7:73,498,562, A>G on the plus strand (T>C on the coding strand, the complement: BAZ1B is on the minus strand). VCF-style: chr7-73498562-A-G. GRCh37 (hg19) VCF-style: chr7-72912892-A-G.
Other names: c.506T>C, p.Ile169Thr (NM_001370402.1); short protein forms I169T.
Identifiers: ClinVar variation 731603 (VCV000731603.5), dbSNP rs73362338, ClinGen allele CA4288000.
Genomic context (GRCh38, chr7:73,498,562, plus strand): 5'-CTCTCTCTCCTTCCTTCATCCTCTTTCACAACTGTCTCCTTCTTCTGATGGTCCTGAGCA[A>G]TCTGACTGGAGTTCTCTTTGTCACTTGATGGAGAATCACAGGCACCATCAGATTTCTTCT-3'
Protein context (NP_115784.1, residues 159-179): PSSDKENSSQ[Ile169Thr]AQDHQKKETV